The following is an entry in ClinVar:

NM_001903.5(CTNNA1):c.2474TGA[1] (p.Met826del)

Gene: CTNNA1 (catenin alpha 1; plus strand). Cytogenetic location: 5q31.2.
Variant type: Microsatellite.
Coding change: c.2474TGA[1] on transcript NM_001903.5 (MANE Select); one copy of the 3-base unit TGA starting at c.2474; the reference has two copies in a row; one copy, 3 bases deleted.
Protein change: p.Met826del; deletes methionine 826.
Molecular consequence: inframe deletion. On other transcripts: 3 prime UTR variant (5).
Genome position (GRCh38, 1-based): chr5:138,933,845-138,933,847, TGA deleted; deleting any 3 consecutive bases within chr5:138,933,842-138,933,847 gives the same sequence; the position shown is the placement nearest the transcript's 3' end. VCF-style (leftmost placement, unchanged base first): chr5-138933841-TTGA-T. GRCh37 (hg19) VCF-style: chr5-138269530-TTGA-T.
Other names: c.*19TGA[1] (NM_001290307.3, NM_001324002.1, NM_001324003.1 and 2 more transcripts); c.1364TGA[1], p.Met456del (NM_001323991.1, NM_001323992.1, NM_001290312.1 and 12 more transcripts); c.2165TGA[1], p.Met723del (NM_001290309.3); c.2105TGA[1], p.Met703del (NM_001290310.3); c.2474TGA[1], p.Met826del (NM_001323982.2, NM_001323983.1, NM_001323984.2); c.2447TGA[1], p.Met817del (NM_001323985.2); c.2381TGA[1], p.Met795del (NM_001323986.2); c.1229TGA[1], p.Met411del (NM_001324001.1); and 3 more; short protein forms M343del, M425del, M795del, M826del, M375del, M411del, M456del, M703del.
Identifiers: ClinVar variation 2692890 (VCV002692890.3), dbSNP rs2533948651, ClinGen allele CA2697546518.
Genomic context (GRCh38, chr5:138,933,841, plus strand): 5'-CCACCCCTGTCTGCCTCGTAGGTGGACAGCGCCATGTCCCTGATCCAGGCAGCCAAGAAC[TTGA>T]TGAATGCTGTGGTGCAGACAGTGAAGGCATCCTACGTCGCCTCTACCAAATACCAAAAGT-3'

ClinVar aggregate classification (germline): Uncertain significance (1 of 4 stars; one submission).

Submission:

Labcorp Genetics (formerly Invitae), Labcorp
Classification: Uncertain significance. Last evaluated: 2024-07-16. Review status: criteria provided, single submitter. Criteria: Invitae Variant Classification Sherloc (09022015). Collection method: clinical testing. Allele origin: germline.
Comment: This variant, c.2477_2479del, results in the deletion of 1 amino acid(s) of the CTNNA1 protein (p.Met826del), but otherwise preserves the integrity of the reading frame. This variant is not present in population databases (gnomAD no frequency). This variant has not been reported in the literature in individuals affected with CTNNA1-related conditions. Experimental studies and prediction algorithms are not available or were not evaluated, and the functional significance of this variant is currently unknown. In summary, the available evidence is currently insufficient to determine the role of this variant in disease. Therefore, it has been classified as a Variant of Uncertain Significance.